The following is an entry in ClinVar:

ClinVar aggregate classification (germline): Uncertain significance (1 of 4 stars; one submission).

Conditions:
Congenital contractural arachnodactyly (CCA). Also called: Beals-Hecht syndrome; BEALS SYNDROME; Arthrogryposis, distal, type 9. Identifiers: Orphanet 115, MedGen C0220668, MONDO:0007363, OMIM 121050.

Submission:

Labcorp Genetics (formerly Invitae), Labcorp
Classification: Uncertain significance for Congenital contractural arachnodactyly. Last evaluated: 2024-11-19. Review status: criteria provided, single submitter. Criteria: Invitae Variant Classification Sherloc (09022015). Collection method: clinical testing. Allele origin: germline.
Comment: This sequence change replaces proline, which is neutral and non-polar, with leucine, which is neutral and non-polar, at codon 43 of the FBN2 protein (p.Pro43Leu). This variant is not present in population databases (gnomAD no frequency). This variant has not been reported in the literature in individuals affected with FBN2-related conditions. Invitae Evidence Modeling of protein sequence and biophysical properties (such as structural, functional, and spatial information, amino acid conservation, physicochemical variation, residue mobility, and thermodynamic stability) indicates that this missense variant is not expected to disrupt FBN2 protein function with a negative predictive value of 95%. In summary, the available evidence is currently insufficient to determine the role of this variant in disease. Therefore, it has been classified as a Variant of Uncertain Significance.

NM_001999.4(FBN2):c.128C>T (p.Pro43Leu)

Gene: FBN2 (fibrillin 2; minus strand). Cytogenetic location: 5q23.3.
Variant type: single nucleotide variant.
Coding change: c.128C>T on transcript NM_001999.4 (MANE Select); coding-DNA position 128, C replaced by T.
Protein change: p.Pro43Leu; replaces proline 43 with leucine.
Molecular consequence: missense variant.
Genome position (GRCh38, 1-based): chr5:128,537,476, G>A on the plus strand (C>T on the coding strand, the complement: FBN2 is on the minus strand). VCF-style: chr5-128537476-G-A. GRCh37 (hg19) VCF-style: chr5-127873169-G-A.
Other names: short protein forms P43L.
Identifiers: ClinVar variation 3703025 (VCV003703025.2).